The following is an entry in ClinVar:

NM_020778.5(ALPK3):c.2291G>A (p.Cys764Tyr)

Gene: ALPK3 (alpha kinase 3; plus strand). Cytogenetic location: 15q25.3.
Variant type: single nucleotide variant.
Coding change: c.2291G>A on transcript NM_020778.5 (MANE Select); coding-DNA position 2291, G replaced by A.
Protein change: p.Cys764Tyr; replaces cysteine 764 with tyrosine.
Molecular consequence: missense variant.
Genome position (GRCh38, 1-based): chr15:84,857,029, G>A. VCF-style: chr15-84857029-G-A. GRCh37 (hg19) VCF-style: chr15-85400260-G-A.
Other names: short protein forms C764Y.
Identifiers: ClinVar variation 1797363 (VCV001797363.3), dbSNP rs1389663159, ClinGen allele CA393356631.

ClinVar aggregate classification (germline): Uncertain significance. Review status: criteria provided, multiple submitters, no conflicts (2 of 4 stars). 2 submissions from 2 submitters: Uncertain significance (2). Last evaluated 2025-11-06.

Conditions:
Cardiovascular phenotype. Identifiers: MedGen CN230736.

Allele frequency attached by ClinVar (database versions not stated): gnomAD 0.00001.
gnomAD v4.1: 1 of 1,614,040 alleles (0.000062%); highest among the groups gnomAD compares: African/African-American, 0.0013%; no homozygotes.

Submissions (2):

Labcorp Genetics (formerly Invitae), Labcorp
Classification: Uncertain significance. Last evaluated: 2025-11-06. Review status: criteria provided, single submitter. Criteria: Invitae Variant Classification Sherloc (09022015). Collection method: clinical testing. Allele origin: germline.
Comment: This sequence change replaces cysteine, which is neutral and slightly polar, with tyrosine, which is neutral and polar, at codon 966 of the ALPK3 protein (p.Cys966Tyr). This variant is present in population databases (no rsID available, gnomAD 0.01%). This variant has not been reported in the literature in individuals affected with ALPK3-related conditions. ClinVar contains an entry for this variant (Variation ID: 1797363). Invitae Evidence Modeling of protein sequence and biophysical properties (such as structural, functional, and spatial information, amino acid conservation, physicochemical variation, residue mobility, and thermodynamic stability) indicates that this missense variant is not expected to disrupt ALPK3 protein function with a negative predictive value of 80%. In summary, the available evidence is currently insufficient to determine the role of this variant in disease. Therefore, it has been classified as a Variant of Uncertain Significance.

Ambry Genetics
Classification: Uncertain significance for Cardiovascular phenotype. Last evaluated: 2021-06-29. Review status: criteria provided, single submitter. Criteria: Ambry Variant Classification Scheme 2023. Collection method: clinical testing. Allele origin: germline.
Comment: The p.C966Y variant (also known as c.2897G>A), located in coding exon 6 of the ALPK3 gene, results from a G to A substitution at nucleotide position 2897. The cysteine at codon 966 is replaced by tyrosine, an amino acid with highly dissimilar properties. This amino acid position is poorly conserved in available vertebrate species. In addition, this alteration is predicted to be tolerated by in silico analysis. Since supporting evidence is limited at this time, the clinical significance of this alteration remains unclear.